The following is an entry in ClinVar:

ClinVar aggregate classification (germline): Likely pathogenic (1 of 4 stars; one submission).

Conditions:
Marfan syndrome (MFS). Also called: FBN1-Related Marfan Syndrome; Marfan syndrome type 1; Marfan's syndrome; Marfan syndrome, classic; MARFAN SYNDROME, TYPE I. Identifiers: Orphanet 284963, Orphanet 558, MedGen C0024796, MONDO:0007947, OMIM 154700.

Submission:

Women's Health and Genetics/Laboratory Corporation of America, LabCorp
Classification: Likely pathogenic for Marfan Syndrome. Last evaluated: 2011-08-18. Review status: criteria provided, single submitter. Criteria: LabCorp Variant Classification Summary - May 2015. Collection method: curation, clinical testing. Allele origin: germline. Inheritance: autosomal unknown. Affected: yes.
ClinVar note: Converted during submission from likely pathogenic to Likely pathogenic.

NM_000138.5(FBN1):c.2186del (p.Leu729fs)

Gene: FBN1 (fibrillin 1; minus strand). Cytogenetic location: 15q21.1.
Variant type: Deletion.
Coding change: c.2186del on transcript NM_000138.5 (MANE Select); coding-DNA position 2186, one base deleted (T; older notation c.2186delT).
Protein change: p.Leu729fs; shifts the reading frame from leucine 729.
Molecular consequence: frameshift variant.
Genome position (GRCh38, 1-based): chr15:48,497,373, A deleted on the plus strand (T on the coding strand, the reverse complement: FBN1 is on the minus strand). VCF-style (leftmost placement, unchanged base first): chr15-48497372-TA-T. GRCh37 (hg19) VCF-style: chr15-48789569-TA-T.
Other names: c.2186delT (NM_000138.4); short protein forms L729fs.
Identifiers: ClinVar variation 36046 (VCV000036046.3), dbSNP rs193922187, ClinGen allele CA012860.